The following is an entry in ClinVar:

ClinVar aggregate classification (germline): Uncertain significance. Review status: criteria provided, multiple submitters, no conflicts (2 of 4 stars). 3 submissions from 3 submitters: Uncertain significance (3). Last evaluated 2025-09-03.

Conditions:
Hydrocephalus, nonsyndromic, autosomal recessive 2. Also called: Hydrocephalus, congenital, 2, with or without brain or eye anomalies. Identifiers: Orphanet 2185, MedGen C3554691, MONDO:0014085, OMIM 615219.

Allele frequency attached by ClinVar (database versions not stated): gnomAD 0.00005 and 0.00007; gnomAD exomes 0.00006; ExAC 0.00007; ESP Exome Variant Server 0.00008; TOPMed 0.00008.

Submissions (3):

GeneDx
Classification: Uncertain significance. Last evaluated: 2025-09-03. Review status: criteria provided, single submitter. Criteria: GeneDx Variant Classification Process June 2021. Collection method: clinical testing. Allele origin: germline. Affected: yes.
Comment: In silico analysis suggests that this missense variant does not alter protein structure/function; Has not been previously published as pathogenic or benign to our knowledge

Labcorp Genetics (formerly Invitae), Labcorp
Classification: Uncertain significance. Last evaluated: 2022-07-23. Review status: criteria provided, single submitter. Criteria: Invitae Variant Classification Sherloc (09022015). Collection method: clinical testing. Allele origin: germline.
Comment: This sequence change replaces aspartic acid, which is acidic and polar, with asparagine, which is neutral and polar, at codon 123 of the MPDZ protein (p.Asp123Asn). This variant is present in population databases (rs367848962, gnomAD 0.04%). This variant has not been reported in the literature in individuals affected with MPDZ-related conditions. ClinVar contains an entry for this variant (Variation ID: 1359728). Algorithms developed to predict the effect of missense changes on protein structure and function (SIFT, PolyPhen-2, Align-GVGD) all suggest that this variant is likely to be tolerated. In summary, the available evidence is currently insufficient to determine the role of this variant in disease. Therefore, it has been classified as a Variant of Uncertain Significance.

Fulgent Genetics
Classification: Uncertain significance for Hydrocephalus, nonsyndromic, autosomal recessive 2. Last evaluated: 2021-07-21. Review status: criteria provided, single submitter. Criteria: ACMG Guidelines, 2015. Collection method: clinical testing. Allele origin: unknown.

NM_001378778.1(MPDZ):c.367G>A (p.Asp123Asn)

Gene: MPDZ (multiple PDZ domain crumbs cell polarity complex component; minus strand). Cytogenetic location: 9p23.
Variant type: single nucleotide variant.
Coding change: c.367G>A on transcript NM_001378778.1 (MANE Select); coding-DNA position 367, G replaced by A.
Protein change: p.Asp123Asn; replaces aspartic acid 123 with asparagine.
Molecular consequence: missense variant.
Genome position (GRCh38, 1-based): chr9:13,224,400, C>T on the plus strand (G>A on the coding strand, the complement: MPDZ is on the minus strand). VCF-style: chr9-13224400-C-T. GRCh37 (hg19) VCF-style: chr9-13224399-C-T.
Other names: c.367G>A, p.Asp123Asn (NM_001261406.2, NM_001261407.2, NM_001330637.2 and 14 more transcripts); short protein forms D123N.
Identifiers: ClinVar variation 1359728 (VCV001359728.6), dbSNP rs367848962, ClinGen allele CA4988145.